The following is an entry in ClinVar:

ClinVar aggregate classification (germline): Benign/Likely benign. Review status: criteria provided, multiple submitters, no conflicts (2 of 4 stars). 4 submissions from 4 submitters: Benign (2); Likely benign (1). 1 of the submissions does not count toward it. Last evaluated 2025-05-09.

Conditions:
CFTR-related disorder (CFTR-RD). Also called: CFTR-related condition; CFTR-related disorders. Identifiers: MedGen C5924204, MONDO:7770004.
Cystic fibrosis (CF). Also called: MUCOVISCIDOSIS. Identifiers: Orphanet 586, MedGen C0010674, MONDO:0009061, OMIM 219700. Disease mechanism: loss of function.

Submissions (4):

ARUP Laboratories, Molecular Genetics and Genomics, ARUP Laboratories
Classification: Benign. Last evaluated: 2025-05-09. Review status: criteria provided, single submitter. Criteria: ARUP Molecular Germline Variant Investigation Process 2024. Collection method: clinical testing. Allele origin: germline.

Ambry Genetics
Classification: Likely benign for Cystic fibrosis. Last evaluated: 2024-01-30. Review status: criteria provided, single submitter. Criteria: Ambry Variant Classification Scheme 2023. Collection method: clinical testing. Allele origin: germline.

Labcorp Genetics (formerly Invitae), Labcorp
Classification: Benign for Cystic fibrosis. Last evaluated: 2021-12-09. Review status: criteria provided, single submitter. Criteria: Invitae Variant Classification Sherloc (09022015). Collection method: clinical testing. Allele origin: germline.

PreventionGenetics, part of Exact Sciences
Classification: Likely benign for CFTR-related condition. Last evaluated: 2023-09-21. Review status: no assertion criteria provided. Collection method: clinical testing. Allele origin: germline. Not counted in ClinVar's aggregate classification.
Comment: This variant is classified as likely benign based on ACMG/AMP sequence variant interpretation guidelines (Richards et al. 2015 PMID: 25741868, with internal and published modifications).

NM_000492.3(CFTR):c.1210-17_1210-12del

Genes: CFTR (CF transmembrane conductance regulator; plus strand), CFTR-AS1 (CFTR antisense RNA 1; minus strand). Cytogenetic location: 7q31.2.
Variant type: Microsatellite.
Coding change: c.1210-17_1210-12del on transcript NM_000492.3; 17 bases into the intron before coding-DNA position 1210 through 12 bases into the intron before coding-DNA position 1210, 6 bases deleted (GTGTGT; older notation c.1210-17_1210-12delGTGTGT).
Molecular consequence: intron variant (on NM_000492.4).
Genome position (GRCh38, 1-based): chr7:117,548,624-117,548,629, GTGTGT deleted; deleting any 6 consecutive bases within chr7:117,548,607-117,548,629 gives the same sequence; the c. name uses the placement nearest the transcript's 3' end. VCF-style (leftmost placement, unchanged base first): chr7-117548606-ATGTGTG-A. GRCh37 (hg19) VCF-style: chr7-117188660-ATGTGTG-A.
Other names: c.1210-17_1210-12delGTGTGT (NM_000492.3); c.1210-34TG[8] (NM_000492.4).
Identifiers: ClinVar variation 439488 (VCV000439488.19), dbSNP rs3832534, ClinGen allele CA4450937.